The following is an entry in ClinVar:

ClinVar aggregate classification (germline): Uncertain significance (1 of 4 stars; one submission).

Conditions:
Charcot-Marie-Tooth disease type 2. Also called: Charcot-Marie-Tooth type 2. Identifiers: Orphanet 64746, MedGen C0270914, MONDO:0018993.

Allele frequency attached by ClinVar (database versions not stated): TOPMed 0.00002; ExAC 0.00003; gnomAD 0.00001.
gnomAD v4.1: 13 of 1,608,812 alleles (0.00081%); highest among the groups gnomAD compares: Non-Finnish European, 0.0011%; no homozygotes.

Submission:

Labcorp Genetics (formerly Invitae), Labcorp
Classification: Uncertain significance for Charcot-Marie-Tooth disease type 2. Last evaluated: 2022-06-27. Review status: criteria provided, single submitter. Criteria: Invitae Variant Classification Sherloc (09022015). Collection method: clinical testing. Allele origin: germline.
Comment: This sequence change replaces proline, which is neutral and non-polar, with alanine, which is neutral and non-polar, at codon 699 of the MED25 protein (p.Pro699Ala). This variant is present in population databases (rs770600111, gnomAD 0.003%). This variant has not been reported in the literature in individuals affected with MED25-related conditions. ClinVar contains an entry for this variant (Variation ID: 651489). Algorithms developed to predict the effect of missense changes on protein structure and function are either unavailable or do not agree on the potential impact of this missense change (SIFT: "Tolerated"; PolyPhen-2: "Probably Damaging"; Align-GVGD: "Class C0"). Algorithms developed to predict the effect of sequence changes on RNA splicing suggest that this variant may create or strengthen a splice site. In summary, the available evidence is currently insufficient to determine the role of this variant in disease. Therefore, it has been classified as a Variant of Uncertain Significance.

NM_030973.4(MED25):c.2095C>G (p.Pro699Ala)

Gene: MED25 (mediator complex subunit 25; plus strand). Cytogenetic location: 19q13.33.
Variant type: single nucleotide variant.
Coding change: c.2095C>G on transcript NM_030973.4 (MANE Select); coding-DNA position 2095, C replaced by G.
Protein change: p.Pro699Ala; replaces proline 699 with alanine.
Molecular consequence: missense variant.
Genome position (GRCh38, 1-based): chr19:49,836,355, C>G. VCF-style: chr19-49836355-C-G. GRCh37 (hg19) VCF-style: chr19-50339612-C-G.
Other names: c.2095C>G, p.Pro699Ala (NM_001378355.1); short protein forms P699A.
Identifiers: ClinVar variation 651489 (VCV000651489.8), dbSNP rs770600111, ClinGen allele CA9585470.